The following is an entry in ClinVar:

NM_002907.4(RECQL):c.883T>C (p.Ser295Pro)

Gene: RECQL (RecQ like helicase; minus strand). Cytogenetic location: 12p12.1.
Variant type: single nucleotide variant.
Coding change: c.883T>C on transcript NM_002907.4 (MANE Select); coding-DNA position 883, T replaced by C.
Protein change: p.Ser295Pro; replaces serine 295 with proline.
Molecular consequence: missense variant.
Genome position (GRCh38, 1-based): chr12:21,476,977, A>G on the plus strand (T>C on the coding strand, the complement: RECQL is on the minus strand). VCF-style: chr12-21476977-A-G. GRCh37 (hg19) VCF-style: chr12-21629911-A-G.
Other names: c.883T>C, p.Ser295Pro (NM_032941.3); short protein forms S295P.
Identifiers: ClinVar variation 1764851 (VCV001764851.3), dbSNP rs1943098879, ClinGen allele CA384123117.

ClinVar aggregate classification (germline): Uncertain significance (1 of 4 stars; one submission).

Submission:

Ambry Genetics
Classification: Uncertain significance. Last evaluated: 2024-09-18. Review status: criteria provided, single submitter. Criteria: Ambry Variant Classification Scheme 2023. Collection method: clinical testing. Allele origin: germline.
Comment: The p.S295P variant (also known as c.883T>C), located in coding exon 7 of the RECQL gene, results from a T to C substitution at nucleotide position 883. The serine at codon 295 is replaced by proline, an amino acid with similar properties. This amino acid position is conserved. In addition, this alteration is predicted to be tolerated by in silico analysis. Since supporting evidence is limited at this time, the clinical significance of this alteration remains unclear.